The following is an entry in ClinVar:

ClinVar aggregate classification (germline): Benign/Likely benign. Review status: criteria provided, multiple submitters, no conflicts (2 of 4 stars). 3 submissions from 3 submitters: Benign (1); Likely benign (1). 1 of the submissions does not count toward it. Last evaluated 2025-01-06.

Conditions:
Kabuki syndrome 2 (KABUK2). Also called: KDM6A-Related Kabuki Syndrome. Identifiers: Orphanet 2322, MedGen C3275495, MONDO:0010465, OMIM 300867.
KDM6A-related disorder. Also called: KDM6A-related condition.
Inborn genetic diseases. Identifiers: MedGen C0950123, MeSH D030342.

Allele frequency attached by ClinVar (database versions not stated): TOPMed below 0.00001; gnomAD exomes 0.00001; ExAC 0.00003.
gnomAD v4.1: 9 of 1,197,013 alleles (0.00075%); highest among the groups gnomAD compares: East Asian, 0.024%; no homozygotes.

Submissions (3):

Labcorp Genetics (formerly Invitae), Labcorp
Classification: Benign for Kabuki syndrome 2. Last evaluated: 2025-01-06. Review status: criteria provided, single submitter. Criteria: Invitae Variant Classification Sherloc (09022015). Collection method: clinical testing. Allele origin: germline.

Ambry Genetics
Classification: Likely benign for Inborn genetic diseases. Last evaluated: 2024-02-12. Review status: criteria provided, single submitter. Criteria: Ambry Variant Classification Scheme 2023. Collection method: clinical testing. Allele origin: germline.

PreventionGenetics, part of Exact Sciences
Classification: Likely benign for KDM6A-related condition. Last evaluated: 2022-09-02. Review status: no assertion criteria provided. Collection method: clinical testing. Allele origin: germline. Not counted in ClinVar's aggregate classification.
Comment: This variant is classified as likely benign based on ACMG/AMP sequence variant interpretation guidelines (Richards et al. 2015 PMID: 25741868, with internal and published modifications).

NM_001291415.2(KDM6A):c.799A>G (p.Ser267Gly)

Gene: KDM6A (lysine demethylase 6A; plus strand). Cytogenetic location: Xp11.3.
Variant type: single nucleotide variant.
Coding change: c.799A>G on transcript NM_001291415.2 (MANE Select); coding-DNA position 799, A replaced by G.
Protein change: p.Ser267Gly; replaces serine 267 with glycine.
Molecular consequence: missense variant. On other transcripts: non-coding transcript variant (1).
Genome position (GRCh38, 1-based): chrX:45,053,879, A>G. VCF-style: chrX-45053879-A-G. GRCh37 (hg19) VCF-style: chrX-44913124-A-G.
Other names: c.799A>G, p.Ser267Gly (NM_001291416.2, NM_001291417.2, NM_001291418.2 and 9 more transcripts); c.46A>G, p.Ser16Gly (NM_001291421.2); c.799A>G (NM_021140.2, NM_021140.3); short protein forms S16G, S267G.
Identifiers: ClinVar variation 2899801 (VCV002899801.6), dbSNP rs755424528, ClinGen allele CA10392268.